The following is an entry in ClinVar:

NM_018834.6(MATR3):c.697G>A (p.Asp233Asn)

Gene: MATR3 (matrin 3; plus strand). Cytogenetic location: 5q31.2.
Variant type: single nucleotide variant.
Coding change: c.697G>A on transcript NM_018834.6 (MANE Select); coding-DNA position 697, G replaced by A.
Protein change: p.Asp233Asn; replaces aspartic acid 233 with asparagine.
Molecular consequence: missense variant. On other transcripts: intron variant (11).
Genome position (GRCh38, 1-based): chr5:139,308,112, G>A. VCF-style: chr5-139308112-G-A. GRCh37 (hg19) VCF-style: chr5-138643801-G-A.
Other names: c.697G>A, p.Asp233Asn (NM_001194954.2, NM_001194955.2, NM_001400441.1 and 16 more transcripts); c.52-6563G>A (NM_001400459.1); c.-102-6563G>A (NM_001400463.1, NM_001400460.1, NM_001282278.2 and 3 more transcripts); c.-40-7585G>A (NM_001400462.1, NM_001400467.1); c.13-6563G>A (NM_001400461.1); c.49-6563G>A (NM_001194956.2); short protein forms D233N.
Identifiers: ClinVar variation 2159707 (VCV002159707.4), dbSNP rs1230910409, ClinGen allele CA361487862.

ClinVar aggregate classification (germline): Uncertain significance (1 of 4 stars; one submission).

Conditions:
Amyotrophic lateral sclerosis type 21. Also called: MYOPATHY, DISTAL, 2; VOCAL CORD AND PHARYNGEAL DYSFUNCTION WITH DISTAL MYOPATHY. Identifiers: Orphanet 600, Orphanet 803, MedGen C3807521, MONDO:0011632, OMIM 606070.

Allele frequency attached by ClinVar (database versions not stated): gnomAD exomes below 0.00001.
gnomAD v4.1: 2 of 1,614,020 alleles (0.00012%); highest among the groups gnomAD compares: Non-Finnish European, 0.00017%; no homozygotes.

Submission:

Labcorp Genetics (formerly Invitae), Labcorp
Classification: Uncertain significance for Amyotrophic lateral sclerosis type 21. Last evaluated: 2022-03-12. Review status: criteria provided, single submitter. Criteria: Invitae Variant Classification Sherloc (09022015). Collection method: clinical testing. Allele origin: germline.
Comment: In summary, the available evidence is currently insufficient to determine the role of this variant in disease. Therefore, it has been classified as a Variant of Uncertain Significance. Algorithms developed to predict the effect of missense changes on protein structure and function are either unavailable or do not agree on the potential impact of this missense change (SIFT: "Deleterious"; PolyPhen-2: "Benign"; Align-GVGD: "Class C0"). This variant has not been reported in the literature in individuals affected with MATR3-related conditions. This variant is present in population databases (no rsID available, gnomAD 0.0009%). This sequence change replaces aspartic acid, which is acidic and polar, with asparagine, which is neutral and polar, at codon 233 of the MATR3 protein (p.Asp233Asn).